The following is an entry in ClinVar:

NM_001184.4(ATR):c.2642A>T (p.Lys881Ile)

Gene: ATR (ATR serine/threonine kinase; minus strand). Cytogenetic location: 3q23.
Variant type: single nucleotide variant.
Coding change: c.2642A>T on transcript NM_001184.4 (MANE Select); coding-DNA position 2642, A replaced by T.
Protein change: p.Lys881Ile; replaces lysine 881 with isoleucine.
Molecular consequence: missense variant.
Genome position (GRCh38, 1-based): chr3:142,553,390, T>A on the plus strand (A>T on the coding strand, the complement: ATR is on the minus strand). VCF-style: chr3-142553390-T-A. GRCh37 (hg19) VCF-style: chr3-142272232-T-A.
Other names: c.2450A>T, p.Lys817Ile (NM_001354579.2); short protein forms K817I, K881I.
Identifiers: ClinVar variation 3463219 (VCV003463219.1).
Genomic context (GRCh38, chr3:142,553,390, plus strand): 5'-GCTGACTTGGATAACAAACAATGCAATAAGTGTAAGAGTGCAAATGGTACCAAATCTCCT[T>A]TTGCGGCCCTAAAATTAAAAACAACATACATATGAATACACAAACACACACACACACACA-3'
Protein context (NP_001175.2, residues 871-891): LTTGDIGRAA[Lys881Ile]GDLVPFALLH

ClinVar aggregate classification (germline): Uncertain significance (1 of 4 stars; one submission).

Conditions:
Inborn genetic diseases. Identifiers: MedGen C0950123, MeSH D030342.

Submission:

Ambry Genetics
Classification: Uncertain significance for Inborn genetic diseases. Last evaluated: 2024-10-25. Review status: criteria provided, single submitter. Criteria: Ambry Variant Classification Scheme 2023. Collection method: clinical testing. Allele origin: germline.
Comment: The p.K881I variant (also known as c.2642A>T), located in coding exon 13 of the ATR gene, results from an A to T substitution at nucleotide position 2642. The lysine at codon 881 is replaced by isoleucine, an amino acid with dissimilar properties. This amino acid position is conserved. In addition, the in silico prediction for this alteration is inconclusive. Based on the available evidence, the clinical significance of this variant remains unclear.